The following is an entry in ClinVar:

NM_000264.5(PTCH1):c.1025T>C (p.Ile342Thr)

Gene: PTCH1 (patched 1; minus strand). Cytogenetic location: 9q22.32.
Variant type: single nucleotide variant.
Coding change: c.1025T>C on transcript NM_000264.5 (MANE Select); coding-DNA position 1025, T replaced by C.
Protein change: p.Ile342Thr; replaces isoleucine 342 with threonine.
Molecular consequence: missense variant. On other transcripts: non-coding transcript variant (1).
Genome position (GRCh38, 1-based): chr9:95,480,011, A>G on the plus strand (T>C on the coding strand, the complement: PTCH1 is on the minus strand). VCF-style: chr9-95480011-A-G. GRCh37 (hg19) VCF-style: chr9-98242293-A-G.
Other names: c.1025T>C (NM_000264.3); c.827T>C, p.Ile276Thr (NM_001083602.3); c.1022T>C, p.Ile341Thr (NM_001083603.3); c.572T>C, p.Ile191Thr (NM_001083604.3, NM_001083605.3, NM_001083606.3 and 1 more transcripts); c.1025T>C, p.Ile342Thr (NM_001354918.2); short protein forms I191T, I276T, I341T, I342T.
Identifiers: ClinVar variation 1020070 (VCV001020070.14), dbSNP rs1841403085, ClinGen allele CA374119641.
Genomic context (GRCh38, chr9:95,480,011, plus strand): 5'-CCTCGGGAGCTGGCTTACCTGACGAGTTTTCCAGTGCTGTTCTTGACTGTGCCACCCACA[A>G]TCAACTCCTCCTGCCAGTGCATATACTTTCTGGATAAGCCATGACATCCACCATTCAAAA-3'
Protein context (NP_000255.2, residues 332-352): RKYMHWQEEL[Ile342Thr]VGGTVKNSTG

ClinVar aggregate classification (germline): Uncertain significance. Review status: criteria provided, multiple submitters, no conflicts (2 of 4 stars). 4 submissions from 4 submitters: Uncertain significance (4). Last evaluated 2026-04-21.

Conditions:
Basal cell carcinoma, susceptibility to, 1. Also called: BCC1. Identifiers: MedGen C2751544, MONDO:0011556, OMIM 605462.
Hereditary cancer-predisposing syndrome. Also called: Hereditary neoplastic syndrome; Neoplastic Syndromes, Hereditary; Tumor predisposition; Hereditary Cancer Syndrome. Identifiers: Orphanet 140162, MedGen C0027672, MeSH D009386, MONDO:0015356.
Gorlin syndrome. Also called: Basal cell nevus syndrome; Nevoid Basal Cell Carcinoma Syndrome. Identifiers: Orphanet 377, MedGen C0004779, MONDO:0007187.

Allele frequency attached by ClinVar (database versions not stated): gnomAD 0.00001.
gnomAD v4.1: 2 of 1,613,966 alleles (0.00012%); highest among the groups gnomAD compares: Admixed American, 0.0017%; no homozygotes.

Submissions (4):

Ambry Genetics
Classification: Uncertain significance for Hereditary cancer-predisposing syndrome. Last evaluated: 2026-04-21. Review status: criteria provided, single submitter. Criteria: Ambry Variant Classification Scheme 2023. Collection method: clinical testing. Allele origin: germline.
Comment: The p.I342T variant (also known as c.1025T>C), located in coding exon 7 of the PTCH1 gene, results from a T to C substitution at nucleotide position 1025. The isoleucine at codon 342 is replaced by threonine, an amino acid with similar properties. This amino acid position is conserved. In addition, this alteration is predicted to be deleterious by in silico analysis. Since supporting evidence is limited at this time, the clinical significance of this alteration remains unclear.

Labcorp Genetics (formerly Invitae), Labcorp
Classification: Uncertain significance for Gorlin syndrome. Last evaluated: 2024-07-26. Review status: criteria provided, single submitter. Criteria: Invitae Variant Classification Sherloc (09022015). Collection method: clinical testing. Allele origin: germline.
Comment: This sequence change replaces isoleucine, which is neutral and non-polar, with threonine, which is neutral and polar, at codon 342 of the PTCH1 protein (p.Ile342Thr). This variant is not present in population databases (gnomAD no frequency). This variant has not been reported in the literature in individuals affected with PTCH1-related conditions. ClinVar contains an entry for this variant (Variation ID: 1020070). Advanced modeling of protein sequence and biophysical properties (such as structural, functional, and spatial information, amino acid conservation, physicochemical variation, residue mobility, and thermodynamic stability) has been performed at Invitae for this missense variant, however the output from this modeling did not meet the statistical confidence thresholds required to predict the impact of this variant on PTCH1 protein function. In summary, the available evidence is currently insufficient to determine the role of this variant in disease. Therefore, it has been classified as a Variant of Uncertain Significance.

GeneDx
Classification: Uncertain significance. Last evaluated: 2024-04-23. Review status: criteria provided, single submitter. Criteria: GeneDx Variant Classification Process June 2021. Collection method: clinical testing. Allele origin: germline. Affected: yes.
Comment: Not observed at significant frequency in large population cohorts (gnomAD); In silico analysis supports that this missense variant has a deleterious effect on protein structure/function; Has not been previously published as pathogenic or benign to our knowledge; This variant is associated with the following publications: (PMID: 8906794)

Baylor Genetics
Classification: Uncertain significance for Basal cell carcinoma, susceptibility to, 1. Last evaluated: 2023-09-11. Review status: criteria provided, single submitter. Criteria: ACMG Guidelines, 2015. Collection method: clinical testing. Allele origin: unknown.